The following is an entry in ClinVar:

ClinVar aggregate classification (germline): Uncertain significance. Review status: criteria provided, multiple submitters, no conflicts (2 of 4 stars). 2 submissions from 2 submitters: Uncertain significance (2). Last evaluated 2024-06-17.

Conditions:
Retinitis pigmentosa 71 (RP71). Identifiers: Orphanet 791, MedGen C4225342, MONDO:0014618, OMIM 616394.
Short-rib thoracic dysplasia 10 with or without polydactyly (SRTD10). Identifiers: Orphanet 474, MedGen C3810175, MONDO:0014284, OMIM 615630.
Bardet-Biedl syndrome 20. Identifiers: MedGen C4310707, MONDO:0023670, OMIM 619471, MONDO:0014926.

Allele frequency attached by ClinVar (database versions not stated): ExAC 0.00001; gnomAD exomes 0.00001 and 0.00002; TOPMed 0.00001; gnomAD 0.00003.
gnomAD v4.1: 15 of 1,613,464 alleles (0.00093%); highest among the groups gnomAD compares: African/African-American, 0.008%; no homozygotes.

Submissions (2):

Fulgent Genetics
Classification: Uncertain significance for Short-rib thoracic dysplasia 10 with or without polydactyly; Retinitis pigmentosa 71; Bardet-Biedl syndrome 20. Last evaluated: 2024-06-17. Review status: criteria provided, single submitter. Criteria: ACMG Guidelines, 2015. Collection method: clinical testing. Allele origin: germline.

Labcorp Genetics (formerly Invitae), Labcorp
Classification: Uncertain significance for Retinitis pigmentosa 71; Short-rib thoracic dysplasia 10 with or without polydactyly. Last evaluated: 2020-08-24. Review status: criteria provided, single submitter. Criteria: Invitae Variant Classification Sherloc (09022015). Collection method: clinical testing. Allele origin: germline.
Comment: In summary, the available evidence is currently insufficient to determine the role of this variant in disease. Therefore, it has been classified as a Variant of Uncertain Significance. Algorithms developed to predict the effect of missense changes on protein structure and function are either unavailable or do not agree on the potential impact of this missense change (SIFT: "Deleterious"; PolyPhen-2: "Possibly Damaging"; Align-GVGD: "Class C0"). This variant has not been reported in the literature in individuals with IFT172-related conditions. This variant is present in population databases (rs779572697, ExAC 0.001%). This sequence change replaces arginine with glutamine at codon 318 of the IFT172 protein (p.Arg318Gln). The arginine residue is highly conserved and there is a small physicochemical difference between arginine and glutamine.

NM_015662.3(IFT172):c.953G>A (p.Arg318Gln)

Gene: IFT172 (intraflagellar transport 172; minus strand). Cytogenetic location: 2p23.3.
Variant type: single nucleotide variant.
Coding change: c.953G>A on transcript NM_015662.3 (MANE Select); coding-DNA position 953, G replaced by A.
Protein change: p.Arg318Gln; replaces arginine 318 with glutamine.
Molecular consequence: missense variant.
Genome position (GRCh38, 1-based): chr2:27,479,561, C>T on the plus strand (G>A on the coding strand, the complement: IFT172 is on the minus strand). VCF-style: chr2-27479561-C-T. GRCh37 (hg19) VCF-style: chr2-27702428-C-T.
Other names: short protein forms R318Q.
Identifiers: ClinVar variation 1041949 (VCV001041949.7), dbSNP rs779572697, ClinGen allele CA1580816.
Genomic context (GRCh38, chr2:27,479,561, plus strand): 5'-CTGCTTACCTGGCTAGGTCCCACATACGTCAACTCAAACTTGTTCTTGTAAATACTCCTT[C>T]GGAGGCAGCAGTCAAACTGTTCCACCCCACCACATAGTGTGCCCTAGAAGGGAAAGTGAC-3'
Protein context (NP_056477.1, residues 308-328): GGVEQFDCCL[Arg318Gln]RSIYKNKFEL